The following is an entry in ClinVar:

NC_000017.10:g.(?_63526094)_(63530207_?)dup

Gene: AXIN2 (axin 2; minus strand). Cytogenetic location: 17q24.1.
Variant type: Duplication.
Identifiers: ClinVar variation 1400598 (VCV001400598.4).

ClinVar aggregate classification (germline): Uncertain significance (1 of 4 stars; one submission).

Conditions:
Oligodontia-cancer predisposition syndrome. Also called: TOOTH AGENESIS-COLORECTAL CANCER SYNDROME. Identifiers: Orphanet 300576, MedGen C1837750, MONDO:0012075, OMIM 608615. Disease mechanism: loss of function.

Submission:

Labcorp Genetics (formerly Invitae), Labcorp
Classification: Uncertain significance for Oligodontia-cancer predisposition syndrome. Last evaluated: 2021-03-31. Review status: criteria provided, single submitter. Criteria: Invitae Variant Classification Sherloc (09022015). Collection method: clinical testing. Allele origin: germline.
Comment: In summary, the available evidence is currently insufficient to determine the role of this variant in disease. Therefore, it has been classified as a Variant of Uncertain Significance. Experimental studies and prediction algorithms are not available or were not evaluated, and the functional significance of this variant is currently unknown. This variant has not been reported in the literature in individuals with AXIN2-related conditions. This variant results in a copy number gain of the genomic region encompassing exon(s) 10-11 of the AXIN2 gene. The 5' boundary is likely confined to intron 9. The 3' end of this event is unknown as it extends beyond the assayed region for this gene and therefore may encompass additional genes. As the precise location of this event is unknown, it may be in tandem or it may be located elsewhere in the genome.